The following is an entry in ClinVar:

NM_006080.3(SEMA3A):c.1591C>T (p.Arg531Ter)

Gene: SEMA3A (semaphorin 3A; minus strand). Cytogenetic location: 7q21.11.
Variant type: single nucleotide variant.
Coding change: c.1591C>T on transcript NM_006080.3 (MANE Select); coding-DNA position 1591, C replaced by T.
Protein change: p.Arg531Ter; replaces arginine 531 with a stop codon.
Molecular consequence: nonsense.
Genome position (GRCh38, 1-based): chr7:83,981,382, G>A on the plus strand (C>T on the coding strand, the complement: SEMA3A is on the minus strand). VCF-style: chr7-83981382-G-A. GRCh37 (hg19) VCF-style: chr7-83610698-G-A.
Other names: short protein forms R531*.
Identifiers: ClinVar variation 3352697 (VCV003352697.2).

ClinVar aggregate classification (germline): Likely pathogenic (1 of 4 stars; one submission).

Conditions:
SEMA3A-related disorder. Also called: SEMA3A-related condition.

gnomAD v4.1: 8 of 1,613,930 alleles (0.0005%); highest among the groups gnomAD compares: Non-Finnish European, 0.00068%; no homozygotes.

Submission:

PreventionGenetics, part of Exact Sciences
Classification: Likely pathogenic for SEMA3A-related condition. Last evaluated: 2026-02-12. Review status: criteria provided, single submitter. Criteria: ACMG Guidelines, 2015. Collection method: clinical testing. Allele origin: germline.
Comment: The SEMA3A c.1591C>T variant is predicted to result in premature protein termination (p.Arg531*). This variant was previously described in a cohort of individuals with hypogonadotropic hypogonadism (Abbara et al. 2021. PubMed ID: 33227799). Of note, heterozygous pathogenic variants in SEMA3A have been reported to be causative for Kallmann syndrome (Hanchate et al. 2012. PubMed ID: 22927827), while biallelic loss-of-function variants in SEMA3A have been reported in patients with short stature and multiple congenital anomalies (Hofmann et al. 2013. PubMed ID: 24124006; Baumann et al. 2017. PubMed ID: 28075028). This variant is reported in 0.0035% of alleles in individuals of European (Non-Finnish) descent in gnomAD. Nonsense variants in SEMA3A are expected to be pathogenic. This variant is interpreted as likely pathogenic.